The following is an entry in ClinVar:

ClinVar aggregate classification (germline): Uncertain significance (1 of 4 stars; one submission).

Conditions:
Arrhythmogenic cardiomyopathy with wooly hair and keratoderma. Also called: PALMOPLANTAR KERATODERMA WITH LEFT VENTRICULAR CARDIOMYOPATHY AND WOOLLY HAIR; Carvajal syndrome; Dilated cardiomyopathy with woolly hair and keratoderma; Arrhythmogenic cardiomyopathy with woolly hair and keratoderma. Identifiers: Orphanet 65282, MedGen C1854063, MONDO:0011581, OMIM 605676.

gnomAD v4.1: 3 of 1,614,178 alleles (0.00019%); highest among the groups gnomAD compares: Non-Finnish European, 0.00025%; no homozygotes.

Submission:

All of Us Research Program, National Institutes of Health
Classification: Uncertain significance for Arrhythmogenic cardiomyopathy with wooly hair and keratoderma. Last evaluated: 2023-11-02. Review status: criteria provided, single submitter. Criteria: ACMG Guidelines, 2015. Collection method: clinical testing. Allele origin: germline. Inheritance: Autosomal dominant inheritance. Observed: 1 variant allele, 1 heterozygote.
Comment: This missense variant replaces aspartic acid with histidine at codon 614 of the DSP protein. Computational prediction suggests that this variant may not impact protein structure and function (internally defined REVEL score threshold <= 0.5, PMID: 27666373). To our knowledge, functional studies have not been reported for this variant. This variant has not been reported in individuals affected with DSP-related disorders in the literature. This variant has not been identified in the general population by the Genome Aggregation Database (gnomAD). The available evidence is insufficient to determine the role of this variant in disease conclusively. Therefore, this variant is classified as a Variant of Uncertain Significance.

This study involves interpretation of variants in research participants for the purpose of population health screening. Participant phenotype was not available at the time of variant classification. Additional details can be found in publication PMID: 35346344, PMCID: PMC8962531

NM_004415.4(DSP):c.1840G>C (p.Asp614His)

Gene: DSP (desmoplakin; plus strand). Cytogenetic location: 6p24.3.
Variant type: single nucleotide variant.
Coding change: c.1840G>C on transcript NM_004415.4 (MANE Select); coding-DNA position 1840, G replaced by C.
Protein change: p.Asp614His; replaces aspartic acid 614 with histidine.
Molecular consequence: missense variant.
Genome position (GRCh38, 1-based): chr6:7,571,521, G>C. VCF-style: chr6-7571521-G-C. GRCh37 (hg19) VCF-style: chr6-7571754-G-C.
Other names: c.1840G>C, p.Asp614His (NM_001008844.3, NM_001319034.2); short protein forms D614H.
Identifiers: ClinVar variation 3074348 (VCV003074348.1), dbSNP rs764951792, ClinGen allele CA362679483.